The following is an entry in ClinVar:

NM_000540.3(RYR1):c.7308_7309del (p.Ala2437fs)

Gene: RYR1 (ryanodine receptor 1; plus strand). Cytogenetic location: 19q13.2.
Variant type: Microsatellite.
Coding change: c.7308_7309del on transcript NM_000540.3 (MANE Select); coding-DNA positions 7308 to 7309, 2 bases deleted (TG; older notation c.7308_7309delTG).
Protein change: p.Ala2437fs; shifts the reading frame from alanine 2437.
Molecular consequence: frameshift variant.
Genome position (GRCh38, 1-based): chr19:38,500,001-38,500,002, TG deleted; deleting any 2 consecutive bases within chr19:38,499,999-38,500,002 gives the same sequence; the c. name uses the placement nearest the transcript's 3' end. VCF-style (leftmost placement, unchanged base first): chr19-38499998-CTG-C. GRCh37 (hg19) VCF-style: chr19-38990638-CTG-C.
Other names: c.7308_7309del, p.Ala2437fs (NM_001042723.2); short protein forms A2437fs.
Identifiers: ClinVar variation 2732161 (VCV002732161.3), dbSNP rs776250086, ClinGen allele CA069470.

ClinVar aggregate classification (germline): Pathogenic (1 of 4 stars; one submission).

Conditions:
RYR1-related disorder. Also called: RYR1-related condition; RYR1-related disorders. Identifiers: MedGen CN239331.

Submission:

Labcorp Genetics (formerly Invitae), Labcorp
Classification: Pathogenic for RYR1-related disorder. Last evaluated: 2024-03-21. Review status: criteria provided, single submitter. Criteria: Invitae Variant Classification Sherloc (09022015). Collection method: clinical testing. Allele origin: germline.
Comment: This sequence change creates a premature translational stop signal (p.Ala2437Thrfs*12) in the RYR1 gene. It is expected to result in an absent or disrupted protein product. Loss-of-function variants in RYR1 are known to be pathogenic (PMID: 23919265, 25960145, 28818389, 30611313). This variant is present in population databases (rs776250086, gnomAD 0.0009%). This premature translational stop signal has been observed in individual(s) with autosomal recessive centronuclear myopathy (PMID: 27858727). In at least one individual the data is consistent with being in trans (on the opposite chromosome) from a pathogenic variant. It has also been observed to segregate with disease in related individuals. For these reasons, this variant has been classified as Pathogenic.

Literature cited by the submitters: PubMed 23919265; PubMed 25960145; PubMed 28818389; PubMed 30611313; PubMed 27858727.